The following is an entry in ClinVar:

ClinVar aggregate classification (germline): Uncertain significance (1 of 4 stars; one submission).

Conditions:
Nephronophthisis. Also called: Juvenile Nephronophthisis. Identifiers: Orphanet 655, MedGen C0687120, MONDO:0019005, HP:0000090.

Allele frequency attached by ClinVar (database versions not stated): gnomAD exomes below 0.00001; ExAC 0.00001; gnomAD 0.00002 and 0.00003; TOPMed 0.00002.
gnomAD v4.1: 9 of 1,614,064 alleles (0.00056%); highest among the groups gnomAD compares: South Asian, 0.0022%; no homozygotes.

Submission:

Labcorp Genetics (formerly Invitae), Labcorp
Classification: Uncertain significance for Nephronophthisis. Last evaluated: 2022-07-18. Review status: criteria provided, single submitter. Criteria: Invitae Variant Classification Sherloc (09022015). Collection method: clinical testing. Allele origin: germline.
Comment: In summary, the available evidence is currently insufficient to determine the role of this variant in disease. Therefore, it has been classified as a Variant of Uncertain Significance. Algorithms developed to predict the effect of missense changes on protein structure and function (SIFT, PolyPhen-2, Align-GVGD) all suggest that this variant is likely to be tolerated. ClinVar contains an entry for this variant (Variation ID: 1450503). This variant has not been reported in the literature in individuals affected with IQCB1-related conditions. This variant is present in population databases (rs753029218, gnomAD 0.003%). This sequence change replaces valine, which is neutral and non-polar, with alanine, which is neutral and non-polar, at codon 545 of the IQCB1 protein (p.Val545Ala).

NM_001023570.4(IQCB1):c.1634T>C (p.Val545Ala)

Gene: IQCB1 (IQ motif containing B1; minus strand). Cytogenetic location: 3q13.33.
Variant type: single nucleotide variant.
Coding change: c.1634T>C on transcript NM_001023570.4 (MANE Select); coding-DNA position 1634, T replaced by C.
Protein change: p.Val545Ala; replaces valine 545 with alanine.
Molecular consequence: missense variant. On other transcripts: non-coding transcript variant (1).
Genome position (GRCh38, 1-based): chr3:121,770,508, A>G on the plus strand (T>C on the coding strand, the complement: IQCB1 is on the minus strand). VCF-style: chr3-121770508-A-G. GRCh37 (hg19) VCF-style: chr3-121489355-A-G.
Other names: c.1235T>C, p.Val412Ala (NM_001023571.4); c.1634T>C, p.Val545Ala (NM_001319107.2); short protein forms V412A, V545A.
Identifiers: ClinVar variation 1450503 (VCV001450503.9), dbSNP rs753029218, ClinGen allele CA2567042.
Genomic context (GRCh38, chr3:121,770,508, plus strand): 5'-CACCAGGGTGCTTGTATGTGCTTCAGGGTTGTGAGATGGGCCTGCTTGGCCTTGGCTGCC[A>G]CAGGCCTGGATCTACTTAGGAAGAGCTCAGGTTCTTTCCCTTCTGCCTCCTTCAGACTTG-3'
Protein context (NP_001018864.2, residues 535-555): PELFLSRSRP[Val545Ala]AAKAKQAHLT